The following is an entry in ClinVar:

ClinVar aggregate classification (germline): Conflicting classifications of pathogenicity. Review status: criteria provided, conflicting classifications (1 of 4 stars). 2 submissions from 2 submitters: Uncertain significance (1); Likely benign (1). Last evaluated 2024-01-09.

Conditions:
Adams-Oliver syndrome 5 (AOS5). Identifiers: Orphanet 974, MedGen C4014970, MONDO:0014459, OMIM 616028.
Aortic valve disorder (AOVD1). Also called: AORTIC VALVE DISEASE. Identifiers: MedGen C1260873, MONDO:0003803.
Familial thoracic aortic aneurysm and aortic dissection (TAAD). Also called: Thoracic aortic aneurysms and dissections. Identifiers: Orphanet 91387, MedGen C4707243, MONDO:0019625.

gnomAD v4.1: 1 of 1,540,718 alleles (0.000065%); no homozygotes.

Submissions (2):

Labcorp Genetics (formerly Invitae), Labcorp
Classification: Likely benign for Adams-Oliver syndrome 5. Last evaluated: 2024-01-09. Review status: criteria provided, single submitter. Criteria: Invitae Variant Classification Sherloc (09022015). Collection method: clinical testing. Allele origin: germline.

Ambry Genetics
Classification: Uncertain significance for Familial thoracic aortic aneurysm and aortic dissection. Last evaluated: 2020-07-08. Review status: criteria provided, single submitter. Criteria: Ambry Variant Classification Scheme 2023. Collection method: clinical testing. Allele origin: germline.
Comment: The p.G231S variant (also known as c.691G>A), located in coding exon 4 of the NOTCH1 gene, results from a G to A substitution at nucleotide position 691. The glycine at codon 231 is replaced by serine, an amino acid with similar properties. This amino acid position is highly conserved in available vertebrate species. In addition, this alteration is predicted to be deleterious by in silico analysis. Since supporting evidence is limited at this time, the clinical significance of this alteration remains unclear.

NM_017617.5(NOTCH1):c.691G>A (p.Gly231Ser)

Gene: NOTCH1 (notch receptor 1; minus strand). Cytogenetic location: 9q34.3.
Variant type: single nucleotide variant.
Coding change: c.691G>A on transcript NM_017617.5 (MANE Select); coding-DNA position 691, G replaced by A.
Protein change: p.Gly231Ser; replaces glycine 231 with serine.
Molecular consequence: missense variant.
Genome position (GRCh38, 1-based): chr9:136,522,901, C>T on the plus strand (G>A on the coding strand, the complement: NOTCH1 is on the minus strand). VCF-style: chr9-136522901-C-T. GRCh37 (hg19) VCF-style: chr9-139417353-C-T.
Other names: short protein forms G231S.
Identifiers: ClinVar variation 836011 (VCV000836011.15), dbSNP rs1247729687, ClinGen allele CA375569325.
Genomic context (GRCh38, chr9:136,522,901, plus strand): 5'-CAGCACTACCTGGCAGGCAGGCACACTCGTGGGTGACGTCGCCCGTGGGGCGGCAGGTGC[C>T]CCCGTTCTGGCAGGGCGAGGGGCTGCAGGGCACGTAGGGCCGCTCGCAGTTGGGGCCAGT-3'
Protein context (NP_060087.3, residues 221-241): PCSPSPCQNG[Gly231Ser]TCRPTGDVTH